The following is an entry in ClinVar:

NM_031466.8(TRAPPC9):c.-153G>C

Gene: TRAPPC9 (trafficking protein particle complex subunit 9; minus strand). Cytogenetic location: 8q24.3.
Variant type: single nucleotide variant.
Coding change: c.-153G>C on transcript NM_031466.8; 153 bases upstream of the start codon, G replaced by C.
Molecular consequence: 5 prime UTR variant.
Genome position (GRCh38, 1-based): chr8:140,458,423, C>G on the plus strand (G>C on the coding strand, the complement: TRAPPC9 is on the minus strand). VCF-style: chr8-140458423-C-G. GRCh37 (hg19) VCF-style: chr8-141468522-C-G.
Identifiers: ClinVar variation 1421163 (VCV001421163.7), dbSNP rs773739324, ClinGen allele CA372321156.

ClinVar aggregate classification (germline): Conflicting classifications of pathogenicity. Review status: criteria provided, conflicting classifications (1 of 4 stars). 2 submissions from 2 submitters: Uncertain significance (1); Likely benign (1). Last evaluated 2024-09-20.

Conditions:
Intellectual developmental disorder, autosomal recessive 13. Also called: Intellectual disability, autosomal recessive 13. Identifiers: Orphanet 88616, MedGen C2750791, MONDO:0013173, OMIM 613192.

Allele frequency attached by ClinVar (database versions not stated): gnomAD 0.00001; TOPMed below 0.00001.
gnomAD v4.1: 20 of 1,587,174 alleles (0.0013%); highest among the groups gnomAD compares: Non-Finnish European, 0.0013%; no homozygotes.

Submissions (2):

3billion
Classification: Likely benign for Intellectual developmental disorder, autosomal recessive 13. Last evaluated: 2024-09-20. Review status: criteria provided, single submitter. Criteria: ACMG Guidelines, 2015. Collection method: clinical testing. Allele origin: germline. Affected: no.
Comment: The homozygous variant was found in patients diagnosed with another variant in a different gene, with no symptoms related to the gene containing the homozygous variant.

Labcorp Genetics (formerly Invitae), Labcorp
Classification: Uncertain significance. Last evaluated: 2022-09-19. Review status: criteria provided, single submitter. Criteria: Invitae Variant Classification Sherloc (09022015). Collection method: clinical testing. Allele origin: germline.
Comment: This sequence change replaces glycine, which is neutral and non-polar, with arginine, which is basic and polar, at codon 48 of the TRAPPC9 protein (p.Gly48Arg). This variant is not present in population databases (gnomAD no frequency). This variant has not been reported in the literature in individuals affected with TRAPPC9-related conditions. ClinVar contains an entry for this variant (Variation ID: 1421163). Experimental studies and prediction algorithms are not available or were not evaluated, and the functional significance of this variant is currently unknown. In summary, the available evidence is currently insufficient to determine the role of this variant in disease. Therefore, it has been classified as a Variant of Uncertain Significance.